The following is an entry in ClinVar:

ClinVar aggregate classification (germline): Pathogenic. Review status: criteria provided, multiple submitters, no conflicts (2 of 4 stars). 3 submissions from 3 submitters: Pathogenic (2). 1 of the submissions does not count toward it. Last evaluated 2025-05-14.

Conditions:
Arrhythmogenic cardiomyopathy with wooly hair and keratoderma. Also called: Carvajal syndrome; Dilated cardiomyopathy with woolly hair and keratoderma; Arrhythmogenic cardiomyopathy with woolly hair and keratoderma; PALMOPLANTAR KERATODERMA WITH LEFT VENTRICULAR CARDIOMYOPATHY AND WOOLLY HAIR. Identifiers: Orphanet 65282, MedGen C1854063, MONDO:0011581, OMIM 605676.
Arrhythmogenic right ventricular dysplasia 8 (ARVD8). Also called: ARRHYTHMOGENIC RIGHT VENTRICULAR DYSPLASIA, FAMILIAL, 8; ARRHYTHMOGENIC RIGHT VENTRICULAR CARDIOMYOPATHY 8; Arrhythmogenic Right Ventricular Dysplasia/Cardiomyopathy 8. Identifiers: MedGen C1843896, MONDO:0011831, OMIM 607450.

Allele frequency attached by ClinVar (database versions not stated): TOPMed 0.00001.

Submissions (3):

GeneDx
Classification: Pathogenic. Last evaluated: 2025-05-14. Review status: criteria provided, single submitter. Criteria: GeneDx Variant Classification Process June 2021. Collection method: clinical testing. Allele origin: germline. Affected: yes.
Comment: Identified in patients meeting Task Force criteria for ARVC in published literature (PMID: 27532257, 28527814, 30382575, 21606390); Not observed at significant frequency in large population cohorts (gnomAD); Frameshift variant predicted to result in protein truncation or nonsense mediated decay in a gene for which loss of function is a known mechanism of disease; This variant is associated with the following publications: (PMID: 21606390, 28527814, 31402444, 27532257, 30382575, 34758253)

Labcorp Genetics (formerly Invitae), Labcorp
Classification: Pathogenic for Arrhythmogenic cardiomyopathy with wooly hair and keratoderma; Arrhythmogenic right ventricular dysplasia 8. Last evaluated: 2022-09-22. Review status: criteria provided, single submitter. Criteria: Invitae Variant Classification Sherloc (09022015). Collection method: clinical testing. Allele origin: germline.
Comment: This sequence change creates a premature translational stop signal (p.Asn274Glufs*15) in the DSP gene. It is expected to result in an absent or disrupted protein product. Loss-of-function variants in DSP are known to be pathogenic (PMID: 20716751, 24503780, 25227139). For these reasons, this variant has been classified as Pathogenic. ClinVar contains an entry for this variant (Variation ID: 1184590). This premature translational stop signal has been observed in individual(s) with arrhythmogenic right ventricular cardiomyopathy (PMID: 21606390, 27532257). This variant is not present in population databases (gnomAD no frequency).

Genomics England Pilot Project, Genomics England
Classification: Likely pathogenic for Arrhythmogenic cardiomyopathy with wooly hair and keratoderma. Review status: no assertion criteria provided. Criteria: ACGS Guidelines, 2016. Collection method: clinical testing. Allele origin: germline. Affected: yes. Not counted in ClinVar's aggregate classification.

Literature cited by the submitters: PubMed 20716751 (cited by Labcorp Genetics (formerly Invitae), Labcorp); PubMed 24503780 (cited by Labcorp Genetics (formerly Invitae), Labcorp); PubMed 25227139 (cited by Labcorp Genetics (formerly Invitae), Labcorp); PubMed 21606390 (cited by Labcorp Genetics (formerly Invitae), Labcorp); PubMed 27532257 (cited by Labcorp Genetics (formerly Invitae), Labcorp).

NM_004415.4(DSP):c.818dup (p.Asn274fs)

Gene: DSP (desmoplakin; plus strand). Cytogenetic location: 6p24.3.
Variant type: Duplication.
Coding change: c.818dup on transcript NM_004415.4 (MANE Select); coding-DNA position 818, one base duplicated (A; older notation c.818dupA).
Protein change: p.Asn274fs; shifts the reading frame from asparagine 274.
Molecular consequence: frameshift variant.
Genome position (GRCh38, 1-based): chr6:7,565,399, A duplicated. VCF-style (leftmost placement, unchanged base first): chr6-7565398-C-CA. GRCh37 (hg19) VCF-style: chr6-7565631-C-CA.
Other names: c.818dup (NM_004415.2); c.818dup, p.Asn274fs (NM_001008844.3, NM_001319034.2); short protein forms N274fs.
Identifiers: ClinVar variation 1184590 (VCV001184590.9), dbSNP rs1758828554, ClinGen allele CA658820636.
Genomic context (GRCh38, chr6:7,565,398, plus strand): 5'-GCCTTTGAACCTCCTGTGCAGAAAGCGTCCTTTGAGAGGATGGATCACCTGCGACAGCTG[C>CA]AGAACATCATTCAGGCCACGTCCAGGGAGATCATGTGGATCAATGACTGCGAGGAGGAGG-3'